The following is an entry in ClinVar:

ClinVar aggregate classification (germline): Pathogenic. Review status: reviewed by expert panel (3 of 4 stars). 5 submissions from 5 submitters: Pathogenic (1). 4 of the submissions do not count toward it. Last evaluated 2025-05-02.

Conditions:
Mucopolysaccharidosis type 1. Also called: IDUA deficiency; MPS I; Mucopolysaccharidosis Type I. Identifiers: Orphanet 579, MedGen C0023786, MONDO:0001586.

Submissions (5):

ClinGen Lysosomal Storage Disorder Variant Curation Expert Panel
Classification: Pathogenic for Mucopolysaccharidosis type 1. Last evaluated: 2025-05-02. Review status: reviewed by expert panel. Criteria: ClinGen LSD ACMG Specifications IDUA V1.0.0. Collection method: curation. Allele origin: germline. Inheritance: Autosomal recessive inheritance.
Comment: The NM_000203.5(IDUA):c.1395del (p.Gly466Alafs*59) variant in IDUA is a frameshift variant predicted to cause a premature stop codon in biologically-relevant-exon 9 out of 14, leading to nonsense mediated decay in a gene in which loss-of-function is an established disease mechanism (PVS1). The younger sister is compound heterozygous for the variant and another variant in IDUA that has been classified as pathogenic by the ClinGen LD VCEP. Parental testing indicated that the variants are in trans (1 point, PM3). Another individual has been reported with IDUA deficiency but normal GAG's and is compound heterozygous for the variant and a variant in IDUA, c.1081G>A (p.Ala361Thr) (ClinVar Variation ID: 92624, SCV005619884.1) that has been classified as benign by the ClinGen LD VCEP (Variation ID: 92624) (PMID: 29801497), and is therefore likely an unaffected heterozygote. The highest population minor allele frequency in gnomAD v4.1.0. is 0.00003973 (1/25172 alleles) in the Admixed American population. This is lower than the LD VCEP's threshold for PM2_Supporting (<0.00025), therefore meeting this criterion (PM2_Supporting). To our knowledge, the results of functional assays have not been reported for this variant. There is a ClinVar entry for this variant (Variation ID: 929236. In summary, this variant meets the criteria to be classified as pathogenic for MPS I based on the ACMG/AMP criteria applied, as specified by the ClinGen Lysosomal Diseases Variant Curation Expert panel (Specifications Version 1.0.0): PVS1, PM3, PP4, PM2_Supporting. (Classification approved by the ClinGen Lysosomal Diseases Variant Curation Expert Panel on May 2, 2025)

Labcorp Genetics (formerly Invitae), Labcorp
Classification: Pathogenic for Mucopolysaccharidosis type 1. Last evaluated: 2024-04-10. Review status: criteria provided, single submitter. Criteria: Invitae Variant Classification Sherloc (09022015). Collection method: clinical testing. Allele origin: germline. Not counted in ClinVar's aggregate classification.
Comment: This sequence change creates a premature translational stop signal (p.Gly466Alafs*59) in the IDUA gene. It is expected to result in an absent or disrupted protein product. Loss-of-function variants in IDUA are known to be pathogenic (PMID: 11735025, 21480867). The frequency data for this variant in the population databases is considered unreliable, as metrics indicate poor data quality at this position in the gnomAD database. This premature translational stop signal has been observed in individual(s) with mucopolysaccharidosis type I (PMID: 29801497). ClinVar contains an entry for this variant (Variation ID: 929236). For these reasons, this variant has been classified as Pathogenic.

Clinical Genetics Laboratory, Skane University Hospital Lund
Classification: Likely pathogenic. Last evaluated: 2022-05-27. Review status: criteria provided, single submitter. Criteria: ACMG Guidelines, 2015. Collection method: clinical testing. Allele origin: germline. Affected: yes. Not counted in ClinVar's aggregate classification.

Laboratorio de Genetica e Diagnostico Molecular, Hospital Israelita Albert Einstein
Classification: Pathogenic. Last evaluated: 2022-01-14. Review status: criteria provided, single submitter. Criteria: ACMG Guidelines, 2015. Collection method: clinical testing. Allele origin: germline. Affected: yes. Not counted in ClinVar's aggregate classification.
Comment: ACMG classification criteria: PVS1, PS4, PM2

Women's Health and Genetics/Laboratory Corporation of America, LabCorp
Classification: Likely pathogenic for Mucopolysaccharidosis type 1. Last evaluated: 2019-02-05. Review status: criteria provided, single submitter. Criteria: LabCorp Variant Classification Summary - May 2015. Collection method: clinical testing. Allele origin: germline. Not counted in ClinVar's aggregate classification.
Comment: Variant summary: IDUA c.1395delC (p.Gly466AlafsX59) results in a premature termination codon, predicted to cause a truncation of the encoded protein or absence of the protein due to nonsense mediated decay, which are commonly known mechanisms for disease. Truncations downstream of this position have been classified as pathogenic by our laboratory (e.g. c.1799delC (p.Ser600X), c.1861C>T (p.Arg621X)). The variant was absent in 30688 control chromosomes (gnomAD). c.1395delC has been reported in the literature in an individual affected with Mucopolysaccharidosis Type 1 (Chuang 2018). The authors of this study also performed leukocyte IDUA enzyme assays in this patient, and found a markedly decreased residual activity (Chuang 2018). No clinical diagnostic laboratories have submitted clinical-significance assessments for this variant to ClinVar after 2014. Based on the evidence outlined above, the variant was classified as likely pathogenic.

Literature cited by the submitters: PubMed 11735025 (cited by Labcorp Genetics (formerly Invitae), Labcorp); PubMed 21480867 (cited by Labcorp Genetics (formerly Invitae), Labcorp); PubMed 29801497 (cited by Labcorp Genetics (formerly Invitae), Labcorp and Women's Health and Genetics/Laboratory Corporation of America, LabCorp).

NM_000203.5(IDUA):c.1395del (p.Gly466fs)

Gene: IDUA (alpha-L-iduronidase; plus strand). Cytogenetic location: 4p16.3.
Variant type: Deletion.
Coding change: c.1395del on transcript NM_000203.5 (MANE Select); coding-DNA position 1395, one base deleted (C; older notation c.1395delC).
Protein change: p.Gly466fs; shifts the reading frame from glycine 466.
Molecular consequence: frameshift variant. On other transcripts: non-coding transcript variant (1).
Genome position (GRCh38, 1-based): chr4:1,002,937, C deleted; the last of 6 consecutive C bases (chr4:1,002,932-1,002,937); deleting any one gives the same sequence. VCF-style (leftmost placement, unchanged base first): chr4-1002931-GC-G. GRCh37 (hg19) VCF-style: chr4-996719-GC-G.
Other names: NM_000203.5(IDUA):c.1395del; p.Gly466fs; c.999del, p.Gly334fs (NM_001363576.1); c.1390delC (NM_000203.5); short protein forms G334fs, G466fs.
Identifiers: ClinVar variation 929236 (VCV000929236.12), dbSNP rs1386109118, ClinGen allele CA549264595.
Genomic context (GRCh38, chr4:1,002,931, plus strand): 5'-CGACGACACCCGCGCCCACCCCAACCGCAGCGTCGCGGTGACCCTGCGGCTGCGCGGGGT[GC>G]CCCCCGGCCCGGGTAAGCCGGGGTTCCAGGGAGGTCTCTGGCCCCGCTGGGGCTCTGGAG-3'